The following is an entry in ClinVar:

NM_000535.7(PMS2):c.1854G>A (p.Leu618=)

Gene: PMS2 (PMS1 homolog 2, mismatch repair system component; minus strand). Cytogenetic location: 7p22.1.
Variant type: single nucleotide variant.
Coding change: c.1854G>A on transcript NM_000535.7 (MANE Select); coding-DNA position 1854, G replaced by A.
Protein change: p.Leu618=; no amino-acid change (leucine 618 retained).
Molecular consequence: synonymous variant. On other transcripts: non-coding transcript variant (1).
Genome position (GRCh38, 1-based): chr7:5,986,911, C>T on the plus strand (G>A on the coding strand, the complement: PMS2 is on the minus strand). VCF-style: chr7-5986911-C-T. GRCh37 (hg19) VCF-style: chr7-6026542-C-T.
Other names: c.1449G>A, p.Leu483= (NM_001322003.2, NM_001322004.2, NM_001322005.2 and 1 more transcripts); c.1698G>A, p.Leu566= (NM_001322006.2); c.1536G>A, p.Leu512= (NM_001322007.2, NM_001322008.2); c.1293G>A, p.Leu431= (NM_001322010.2); c.921G>A, p.Leu307= (NM_001322011.2, NM_001322012.2); c.1281G>A, p.Leu427= (NM_001322013.2); c.1854G>A, p.Leu618= (NM_001322014.2); c.1545G>A, p.Leu515= (NM_001322015.2).
Identifiers: ClinVar variation 233997 (VCV000233997.6), dbSNP rs876660784, ClinGen allele CA10578662.

ClinVar aggregate classification (germline): Benign/Likely benign. Review status: criteria provided, multiple submitters, no conflicts (2 of 4 stars). 2 submissions from 2 submitters: Benign (1); Likely benign (1). Last evaluated 2025-01-31.

Conditions:
Lynch syndrome 4 (LYNCH4). Also called: Colorectal cancer, hereditary nonpolyposis, type 4; Hereditary non-polyposis colorectal cancer, type 4. Identifiers: Orphanet 144, MedGen C1838333, MONDO:0013699, OMIM 614337. Disease mechanism: loss of function.
Hereditary cancer-predisposing syndrome. Also called: Neoplastic Syndromes, Hereditary; Tumor predisposition; Hereditary Cancer Syndrome; Hereditary neoplastic syndrome. Identifiers: Orphanet 140162, MedGen C0027672, MeSH D009386, MONDO:0015356.

Submissions (2):

Myriad Genetics, Inc.
Classification: Benign for Lynch syndrome 4. Last evaluated: 2025-01-31. Review status: criteria provided, single submitter. Criteria: Myriad Autosomal Dominant, Autosomal Recessive and X-Linked Classification Criteria (2023). Collection method: clinical testing. Allele origin: unknown.
Comment: This variant is considered benign. This variant is a silent/synonymous amino acid change and it is not expected to impact splicing.

Ambry Genetics
Classification: Likely benign for Hereditary cancer-predisposing syndrome. Last evaluated: 2015-09-16. Review status: criteria provided, single submitter. Criteria: Ambry Variant Classification Scheme 2023. Collection method: clinical testing. Allele origin: germline.